The following is an entry in ClinVar:

NM_001130438.3(SPTAN1):c.3974G>T (p.Gly1325Val)

Gene: SPTAN1 (spectrin alpha, non-erythrocytic 1; plus strand). Cytogenetic location: 9q34.11.
Variant type: single nucleotide variant.
Coding change: c.3974G>T on transcript NM_001130438.3 (MANE Select); coding-DNA position 3974, G replaced by T.
Protein change: p.Gly1325Val; replaces glycine 1325 with valine.
Molecular consequence: missense variant.
Genome position (GRCh38, 1-based): chr9:128,605,405, G>T. VCF-style: chr9-128605405-G-T. GRCh37 (hg19) VCF-style: chr9-131367684-G-T.
Other names: p.Gly1325Val; c.3914G>T, p.Gly1305Val (NM_001195532.2, NM_001363765.2); c.3974G>T, p.Gly1325Val (NM_001363759.2, NM_003127.4); short protein forms G1325V, G1305V.
Identifiers: ClinVar variation 286948 (VCV000286948.6), dbSNP rs886043530, ClinGen allele CA10605625.

ClinVar aggregate classification (germline): Uncertain significance. Review status: criteria provided, multiple submitters, no conflicts (2 of 4 stars). 2 submissions from 2 submitters: Uncertain significance (2). Last evaluated 2023-07-07.

Allele frequency attached by ClinVar (database versions not stated): gnomAD exomes below 0.00001; gnomAD 0.00001; TOPMed 0.00001.
gnomAD v4.1: 1 of 1,614,188 alleles (0.000062%); no homozygotes.

Submissions (2):

Mayo Clinic Laboratories, Mayo Clinic
Classification: Uncertain significance. Last evaluated: 2023-07-07. Review status: criteria provided, single submitter. Criteria: ACMG Guidelines, 2015. Collection method: clinical testing. Allele origin: germline. Observed: 1 variant allele.
Comment: BP4

Eurofins Ntd Llc (ga)
Classification: Uncertain significance. Last evaluated: 2016-03-31. Review status: criteria provided, single submitter. Criteria: EGL Classification Definitions 2015. Collection method: clinical testing. Allele origin: germline. Observed: 1 variant allele, 1 heterozygote.